The following is an entry in ClinVar:

ClinVar aggregate classification (germline): Uncertain significance. Review status: criteria provided, multiple submitters, no conflicts (2 of 4 stars). 3 submissions from 3 submitters: Uncertain significance (3). Last evaluated 2025-10-15.

Conditions:
Inborn genetic diseases. Identifiers: MedGen C0950123, MeSH D030342.
Familial cold autoinflammatory syndrome 3 (FCAS3). Also called: FAMILIAL ATYPICAL COLD URTICARIA; ANTIBODY DEFICIENCY AND IMMUNE DYSREGULATION, PLCG2-ASSOCIATED. Identifiers: Orphanet 300359, MedGen C3280914, MONDO:0013766, OMIM 614468.

Allele frequency attached by ClinVar (database versions not stated): gnomAD exomes 0.00001; ExAC 0.00001; gnomAD 0.00001; TOPMed 0.00001.
gnomAD v4.1: 15 of 1,603,332 alleles (0.00094%); highest among the groups gnomAD compares: Middle Eastern, 0.051%; no homozygotes.

Submissions (3):

Labcorp Genetics (formerly Invitae), Labcorp
Classification: Uncertain significance for Familial cold autoinflammatory syndrome 3. Last evaluated: 2025-10-15. Review status: criteria provided, single submitter. Criteria: Invitae Variant Classification Sherloc (09022015). Collection method: clinical testing. Allele origin: germline.
Comment: This sequence change replaces serine, which is neutral and polar, with cysteine, which is neutral and slightly polar, at codon 319 of the PLCG2 protein (p.Ser319Cys). This variant is present in population databases (rs746915998, gnomAD 0.003%). This variant has not been reported in the literature in individuals affected with PLCG2-related conditions. ClinVar contains an entry for this variant (Variation ID: 2352188). An algorithm developed to predict the effect of missense changes on protein structure and function (PolyPhen-2) suggests that this variant is likely to be disruptive. In summary, the available evidence is currently insufficient to determine the role of this variant in disease. Therefore, it has been classified as a Variant of Uncertain Significance.

Ambry Genetics
Classification: Uncertain significance for Inborn genetic diseases. Last evaluated: 2022-04-25. Review status: criteria provided, single submitter. Criteria: Ambry Variant Classification Scheme 2023. Collection method: clinical testing. Allele origin: germline.

Revvity Omics, Revvity
Classification: Uncertain significance. Last evaluated: 2022-03-25. Review status: criteria provided, single submitter. Criteria: ACMG Guidelines, 2015. Collection method: clinical testing. Allele origin: germline.

NM_002661.5(PLCG2):c.956C>G (p.Ser319Cys)

Gene: PLCG2 (phospholipase C gamma 2; plus strand). Cytogenetic location: 16q23.3.
Variant type: single nucleotide variant.
Coding change: c.956C>G on transcript NM_002661.5 (MANE Select); coding-DNA position 956, C replaced by G.
Protein change: p.Ser319Cys; replaces serine 319 with cysteine.
Molecular consequence: missense variant.
Genome position (GRCh38, 1-based): chr16:81,891,560, C>G. VCF-style: chr16-81891560-C-G. GRCh37 (hg19) VCF-style: chr16-81925165-C-G.
Other names: short protein forms S319C.
Identifiers: ClinVar variation 2352188 (VCV002352188.8), dbSNP rs746915998, ClinGen allele CA8193519.